The following is an entry in ClinVar:

NM_001291415.2(KDM6A):c.4151G>A (p.Ser1384Asn)

Gene: KDM6A (lysine demethylase 6A; plus strand). Cytogenetic location: Xp11.3.
Variant type: single nucleotide variant.
Coding change: c.4151G>A on transcript NM_001291415.2 (MANE Select); coding-DNA position 4151, G replaced by A.
Protein change: p.Ser1384Asn; replaces serine 1384 with asparagine.
Molecular consequence: missense variant. On other transcripts: non-coding transcript variant (1).
Genome position (GRCh38, 1-based): chrX:45,107,526, G>A. VCF-style: chrX-45107526-G-A. GRCh37 (hg19) VCF-style: chrX-44966771-G-A.
Other names: c.4016G>A, p.Ser1339Asn (NM_001291416.2); c.3860G>A, p.Ser1287Asn (NM_001291417.2); c.3758G>A, p.Ser1253Asn (NM_001291418.2); c.3107G>A, p.Ser1036Asn (NM_001291421.2); c.3995G>A, p.Ser1332Asn (NM_021140.4); short protein forms S1332N, S1339N, S1036N, S1253N, S1287N, S1384N.
Identifiers: ClinVar variation 1036415 (VCV001036415.8), dbSNP rs1296096294, ClinGen allele CA412775582.

ClinVar aggregate classification (germline): Uncertain significance (1 of 4 stars; one submission).

Conditions:
Kabuki syndrome 2 (KABUK2). Also called: KDM6A-Related Kabuki Syndrome. Identifiers: Orphanet 2322, MedGen C3275495, MONDO:0010465, OMIM 300867.

Submission:

Labcorp Genetics (formerly Invitae), Labcorp
Classification: Uncertain significance for Kabuki syndrome 2. Last evaluated: 2020-03-23. Review status: criteria provided, single submitter. Criteria: Invitae Variant Classification Sherloc (09022015). Collection method: clinical testing. Allele origin: germline.
Comment: This sequence change replaces serine with asparagine at codon 1332 of the KDM6A protein (p.Ser1332Asn). The serine residue is highly conserved and there is a small physicochemical difference between serine and asparagine. This variant is not present in population databases (ExAC no frequency). This variant has not been reported in the literature in individuals with KDM6A-related conditions. Algorithms developed to predict the effect of missense changes on protein structure and function (SIFT, PolyPhen-2, Align-GVGD) all suggest that this variant is likely to be tolerated, but these predictions have not been confirmed by published functional studies and their clinical significance is uncertain. In summary, the available evidence is currently insufficient to determine the role of this variant in disease. Therefore, it has been classified as a Variant of Uncertain Significance.